The following is an entry in ClinVar:

ClinVar aggregate classification (germline): Uncertain significance (1 of 4 stars; one submission).

Conditions:
Hereditary cancer-predisposing syndrome. Also called: Neoplastic Syndromes, Hereditary; Tumor predisposition; Hereditary neoplastic syndrome; Hereditary Cancer Syndrome. Identifiers: Orphanet 140162, MedGen C0027672, MeSH D009386, MONDO:0015356.

Allele frequency attached by ClinVar (database versions not stated): gnomAD exomes below 0.00001.
gnomAD v4.1: 1 of 1,614,152 alleles (0.000062%); highest among the groups gnomAD compares: Non-Finnish European, 0.000085%; no homozygotes.

Submission:

Ambry Genetics
Classification: Uncertain significance for Hereditary cancer-predisposing syndrome. Last evaluated: 2023-09-28. Review status: criteria provided, single submitter. Criteria: Ambry Variant Classification Scheme 2023. Collection method: clinical testing. Allele origin: germline.
Comment: The p.G1635W variant (also known as c.4903G>T), located in coding exon 15 of the APC gene, results from a G to T substitution at nucleotide position 4903. The glycine at codon 1635 is replaced by tryptophan, an amino acid with highly dissimilar properties. This amino acid position is conserved. In addition, in silico predictors for this gene do not accurately predict pathogenicity. Since supporting evidence is limited at this time, the clinical significance of this alteration remains unclear.

NM_000038.6(APC):c.4903G>T (p.Gly1635Trp)

Gene: APC (APC regulator of Wnt signaling pathway; plus strand). Cytogenetic location: 5q22.2.
Variant type: single nucleotide variant.
Coding change: c.4903G>T on transcript NM_000038.6 (MANE Select); coding-DNA position 4903, G replaced by T.
Protein change: p.Gly1635Trp; replaces glycine 1635 with tryptophan.
Molecular consequence: missense variant. On other transcripts: non-coding transcript variant (2).
Genome position (GRCh38, 1-based): chr5:112,840,497, G>T. VCF-style: chr5-112840497-G-T. GRCh37 (hg19) VCF-style: chr5-112176194-G-T.
Other names: c.4903G>T, p.Gly1635Trp (NM_001127510.3, NM_001354895.2, NM_001407450.1); c.4849G>T, p.Gly1617Trp (NM_001127511.3); c.4957G>T, p.Gly1653Trp (NM_001354896.2, NM_001407447.1, NM_001407448.1 and 1 more transcripts); c.4933G>T, p.Gly1645Trp (NM_001354897.2); c.4828G>T, p.Gly1610Trp (NM_001354898.2); c.4819G>T, p.Gly1607Trp (NM_001354899.2); c.4780G>T, p.Gly1594Trp (NM_001354900.2); c.4726G>T, p.Gly1576Trp (NM_001354901.2, NM_001407453.1); and 11 more; short protein forms G1251W, G1352W, G1475W, G1506W, G1509W, G1534W, G1544W, G1552W.
Identifiers: ClinVar variation 3230580 (VCV003230580.1), dbSNP rs2149926978, ClinGen allele CA16032074.